The following is an entry in ClinVar:

ClinVar aggregate classification (germline): Uncertain significance. Review status: criteria provided, single submitter (1 of 4 stars). 2 submissions from 2 submitters: Uncertain significance (1). 1 of the submissions does not count toward it. Last evaluated 2017-12-05.

Conditions:
HSD17B4-related disorder. Also called: HSD17B4-related disorders; HSD17B4-related condition.

Allele frequency attached by ClinVar (database versions not stated): TOPMed below 0.00001; gnomAD 0.00001; gnomAD exomes 0.00001; ExAC 0.00002.

Submissions (2):

Eurofins Ntd Llc (ga)
Classification: Uncertain significance. Last evaluated: 2017-12-05. Review status: criteria provided, single submitter. Criteria: EGL Classification Definitions 2015. Collection method: clinical testing. Allele origin: germline. Observed: 1 variant allele, 1 heterozygote.

PreventionGenetics, part of Exact Sciences
Classification: Uncertain significance for HSD17B4-related condition. Last evaluated: 2024-02-29. Review status: no assertion criteria provided. Collection method: clinical testing. Allele origin: germline. Not counted in ClinVar's aggregate classification.
Comment: The HSD17B4 c.1105T>C variant is predicted to result in the amino acid substitution p.Ser369Pro. To our knowledge, this variant has not been reported in the literature. This variant is reported in 0.0031% of alleles in individuals of European (Non-Finnish) descent in gnomAD. At this time, the clinical significance of this variant is uncertain due to the absence of conclusive functional and genetic evidence.

NM_000414.4(HSD17B4):c.1105T>C (p.Ser369Pro)

Gene: HSD17B4 (hydroxysteroid 17-beta dehydrogenase 4; plus strand). Cytogenetic location: 5q23.1.
Variant type: single nucleotide variant.
Coding change: c.1105T>C on transcript NM_000414.4 (MANE Select); coding-DNA position 1105, T replaced by C.
Protein change: p.Ser369Pro; replaces serine 369 with proline.
Molecular consequence: missense variant.
Genome position (GRCh38, 1-based): chr5:119,499,449, T>C. VCF-style: chr5-119499449-T-C. GRCh37 (hg19) VCF-style: chr5-118835144-T-C.
Other names: c.1105T>C (NM_000414.3); c.1180T>C, p.Ser394Pro (NM_001199291.3); c.1051T>C, p.Ser351Pro (NM_001199292.2); c.1033T>C, p.Ser345Pro (NM_001292027.2); c.685T>C, p.Ser229Pro (NM_001292028.2); short protein forms S369P, S229P, S345P, S351P, S394P.
Identifiers: ClinVar variation 595248 (VCV000595248.7), dbSNP rs781084978, ClinGen allele CA3382088.
Genomic context (GRCh38, chr5:119,499,449, plus strand): 5'-CTTGGAGTGGGAGCGTCAATCAAGGATCCAAAAGATTTGAAATTTATTTATGAAGGAAGT[T>C]CTGATTTCTCCTGTTTGCCCACCTTCGGAGTTATCATAGGTCAGAAATCTATGATGGGTG-3'
Protein context (NP_000405.1, residues 359-379): KDLKFIYEGS[Ser369Pro]DFSCLPTFGV